The following is an entry in ClinVar:

ClinVar aggregate classification (germline): Likely benign. Review status: criteria provided, multiple submitters, no conflicts (2 of 4 stars). 3 submissions from 3 submitters: Likely benign (2). 1 of the submissions does not count toward it. Last evaluated 2026-07-07.

Conditions:
SMARCA4-related disorder. Also called: SMARCA4-related condition.
Rhabdoid tumor predisposition syndrome 2 (RTPS2). Identifiers: Orphanet 231108, Orphanet 69077, MedGen C2750074, MONDO:0013224, OMIM 613325.

Allele frequency attached by ClinVar (database versions not stated): gnomAD 0.00001; TOPMed below 0.00001.
gnomAD v4.1: 2 of 1,604,310 alleles (0.00012%); highest among the groups gnomAD compares: Non-Finnish European, 0.000085%; no homozygotes.

Submissions (3):

Myriad Genetics, Inc.
Classification: Likely benign for Rhabdoid tumor predisposition syndrome 2. Last evaluated: 2026-07-07. Review status: criteria provided, single submitter. Criteria: Myriad Autosomal Dominant, Autosomal Recessive and X-Linked Classification Criteria (2023). Collection method: clinical testing. Allele origin: unknown.
Comment: This variant is considered likely benign. This variant is intronic and is not expected to impact mRNA splicing.

Labcorp Genetics (formerly Invitae), Labcorp
Classification: Likely benign for Rhabdoid tumor predisposition syndrome 2. Last evaluated: 2025-10-18. Review status: criteria provided, single submitter. Criteria: Invitae Variant Classification Sherloc (09022015). Collection method: clinical testing. Allele origin: germline.

PreventionGenetics, part of Exact Sciences
Classification: Likely benign for SMARCA4-related condition. Last evaluated: 2019-03-21. Review status: no assertion criteria provided. Collection method: clinical testing. Allele origin: germline. Not counted in ClinVar's aggregate classification.
Comment: This variant is classified as likely benign based on ACMG/AMP sequence variant interpretation guidelines (Richards et al. 2015 PMID: 25741868, with internal and published modifications).

NM_003072.5(SMARCA4):c.2974-6C>T

Gene: SMARCA4 (SWI/SNF related BAF chromatin remodeling complex subunit ATPase 4; plus strand). Cytogenetic location: 19p13.2.
Variant type: single nucleotide variant.
Coding change: c.2974-6C>T on transcript NM_003072.5 (MANE Select); 6 bases into the intron before coding-DNA position 2974, C replaced by T.
Molecular consequence: intron variant.
Genome position (GRCh38, 1-based): chr19:11,024,325, C>T. VCF-style: chr19-11024325-C-T. GRCh37 (hg19) VCF-style: chr19-11135001-C-T.
Other names: c.2974-6C>T (NM_001128844.3, NM_001128849.3, NM_001128847.4 and 5 more transcripts).
Identifiers: ClinVar variation 537862 (VCV000537862.13), dbSNP rs1344336606, ClinGen allele CA658799123.